The following is an entry in ClinVar:

ClinVar aggregate classification (germline): Uncertain significance (1 of 4 stars; one submission).

Conditions:
Inborn genetic diseases. Identifiers: MedGen C0950123, MeSH D030342.

Submission:

Ambry Genetics
Classification: Uncertain significance for Inborn genetic diseases. Last evaluated: 2024-09-04. Review status: criteria provided, single submitter. Criteria: Ambry Variant Classification Scheme 2023. Collection method: clinical testing. Allele origin: germline.
Comment: The c.482-7_482-6delTAinsC alteration is located in Intron 3 (E) of the SERPINI1 gene. This alteration consists of a deletion of 2 and insertion of 1 nucleotides at nucleotide position c.482-7. Based on insufficient or conflicting evidence, the clinical significance of this alteration remains unclear.

NM_001122752.2(SERPINI1):c.482-7_482-6delinsC

Gene: SERPINI1 (serpin family I member 1; plus strand). Cytogenetic location: 3q26.1.
Variant type: Indel.
Coding change: c.482-7_482-6delinsC on transcript NM_001122752.2 (MANE Select); 7 bases into the intron before coding-DNA position 482 through 6 bases into the intron before coding-DNA position 482, TA replaced by C.
Molecular consequence: intron variant.
Genome position (GRCh38, 1-based): chr3:167,792,583-167,792,584, TA replaced by C. VCF-style: chr3-167792583-TA-C. GRCh37 (hg19) VCF-style: chr3-167510371-TA-C.
Other names: c.482-7_482-6delinsC (NM_005025.5).
Identifiers: ClinVar variation 3440090 (VCV003440090.1).